The following is an entry in ClinVar:

ClinVar aggregate classification (germline): Likely benign (1 of 4 stars; one submission).

Allele frequency attached by ClinVar (database versions not stated): gnomAD 0.00059; 1000 Genomes Project 0.00100; 1000 Genomes Project 30x 0.00156; ExAC 0.00384.

Submission:

CeGaT Center for Human Genetics Tuebingen
Classification: Likely benign. Last evaluated: 2025-12-01. Review status: criteria provided, single submitter. Criteria: CeGaT Center For Human Genetics Tuebingen Variant Classification Criteria Version 2. Collection method: clinical testing. Allele origin: germline. Affected: yes. Observed: 3 variant alleles.
Comment: RGPD2: BP4, BP7

NM_001078170.3(RGPD2):c.2640T>C (p.Tyr880=)

Gene: RGPD2 (RANBP2 like and GRIP domain containing 2; minus strand). Cytogenetic location: 2p11.2.
Variant type: single nucleotide variant.
Coding change: c.2640T>C on transcript NM_001078170.3 (MANE Select); coding-DNA position 2640, T replaced by C.
Protein change: p.Tyr880=; no amino-acid change (tyrosine 880 retained).
Molecular consequence: synonymous variant.
Genome position (GRCh38, 1-based): chr2:87,785,111, A>G on the plus strand (T>C on the coding strand, the complement: RGPD2 is on the minus strand). VCF-style: chr2-87785111-A-G. GRCh37 (hg19) VCF-style: chr2-88084630-A-G.
Other names: c.2481T>C, p.Tyr827= (NM_001393613.1).
Identifiers: ClinVar variation 2651107 (VCV002651107.24), dbSNP rs201486761, ClinGen allele CA1752475.